The following is an entry in ClinVar:

ClinVar aggregate classification (germline): Benign. Review status: criteria provided, multiple submitters, no conflicts (2 of 4 stars). 3 submissions from 3 submitters: Benign (3). Last evaluated 2018-01-13.

Conditions:
Peutz-Jeghers syndrome (PJS). Also called: POLYPOSIS, HAMARTOMATOUS INTESTINAL; POLYPS-AND-SPOTS SYNDROME; Peutz-Jeghers polyposis; Periorificial lentiginosis syndrome. Identifiers: Orphanet 2869, MedGen C0031269, MeSH D010580, MONDO:0008280, OMIM 175200.

Allele frequency attached by ClinVar (database versions not stated): gnomAD exomes 0.49884; gnomAD 0.57700 and 0.58139; TOPMed 0.59175; 1000 Genomes Project 30x 0.70487; 1000 Genomes Project 0.70787.
gnomAD v4.1: 523,848 of 1,023,228 alleles (51%); highest among the groups gnomAD compares: East Asian, 98%; 139,397 homozygotes.

Submissions (3):

Illumina Laboratory Services, Illumina
Classification: Benign for Peutz-Jeghers syndrome. Last evaluated: 2018-01-13. Review status: criteria provided, single submitter. Criteria: ICSL Variant Classification Criteria 13 December 2019. Collection method: clinical testing. Allele origin: germline.
Comment: This variant was observed in the ICSL laboratory as part of a predisposition screen in an ostensibly healthy population. It had not been previously curated by ICSL or reported in the Human Gene Mutation Database (HGMD: prior to June 1st, 2018), and was therefore a candidate for classification through an automated scoring system. Utilizing variant allele frequency, disease prevalence and penetrance estimates, and inheritance mode, an automated score was calculated to assess if this variant is too frequent to cause the disease. Based on the score and internal cut-off values, a variant classified as benign is not then subjected to further curation. The score for this variant resulted in a classification of benign for this disease.

GeneDx
Classification: Benign. Last evaluated: 2015-03-03. Review status: criteria provided, single submitter. Criteria: GeneDx Variant Classification Process June 2021. Collection method: clinical testing. Allele origin: germline. Affected: yes.

Breakthrough Genomics
Classification: Benign. Review status: criteria provided, single submitter. Criteria: ACMG Guidelines, 2015. Collection method: not provided. Allele origin: germline. Inheritance: Autosomal dominant inheritance. Affected: yes.

NM_000455.5(STK11):c.*616T>C

Gene: STK11 (serine/threonine kinase 11; plus strand). Cytogenetic location: 19p13.3.
Variant type: single nucleotide variant.
Coding change: c.*616T>C on transcript NM_000455.5 (MANE Select); 616 bases downstream of the stop codon, T replaced by C.
Molecular consequence: 3 prime UTR variant.
Genome position (GRCh38, 1-based): chr19:1,228,192, T>C. VCF-style: chr19-1228192-T-C. GRCh37 (hg19) VCF-style: chr19-1228191-T-C.
Identifiers: ClinVar variation 328243 (VCV000328243.8), dbSNP rs10415095, ClinGen allele CA10642312.